The following is an entry in ClinVar:

NM_001369.3(DNAH5):c.1975A>G (p.Ile659Val)

Gene: DNAH5 (dynein axonemal heavy chain 5; minus strand). Cytogenetic location: 5p15.2.
Variant type: single nucleotide variant.
Coding change: c.1975A>G on transcript NM_001369.3 (MANE Select); coding-DNA position 1975, A replaced by G.
Protein change: p.Ile659Val; replaces isoleucine 659 with valine.
Molecular consequence: missense variant.
Genome position (GRCh38, 1-based): chr5:13,901,329, T>C on the plus strand (A>G on the coding strand, the complement: DNAH5 is on the minus strand). VCF-style: chr5-13901329-T-C. GRCh37 (hg19) VCF-style: chr5-13901438-T-C.
Other names: short protein forms I659V.
Identifiers: ClinVar variation 1783691 (VCV001783691.8), dbSNP rs763360696, ClinGen allele CA3204706.

ClinVar aggregate classification (germline): Conflicting classifications of pathogenicity. Review status: criteria provided, conflicting classifications (1 of 4 stars). 3 submissions from 3 submitters: Uncertain significance (1); Likely benign (2). Last evaluated 2025-10-16.

Conditions:
Primary ciliary dyskinesia. Also called: Ciliary dyskinesia. Identifiers: Orphanet 244, MedGen C0008780, MONDO:0016575, HP:0012265.

Allele frequency attached by ClinVar (database versions not stated): gnomAD 0.00005.
gnomAD v4.1: 29 of 1,614,036 alleles (0.0018%); highest among the groups gnomAD compares: African/African-American, 0.027%; no homozygotes.

Submissions (3):

Labcorp Genetics (formerly Invitae), Labcorp
Classification: Likely benign for Primary ciliary dyskinesia. Last evaluated: 2025-10-16. Review status: criteria provided, single submitter. Criteria: Invitae Variant Classification Sherloc (09022015). Collection method: clinical testing. Allele origin: germline.

GeneDx
Classification: Uncertain significance. Last evaluated: 2023-12-01. Review status: criteria provided, single submitter. Criteria: GeneDx Variant Classification Process June 2021. Collection method: clinical testing. Allele origin: germline. Affected: yes.
Comment: In silico analysis supports that this missense variant does not alter protein structure/function; Has not been previously published as pathogenic or benign to our knowledge

Ambry Genetics
Classification: Likely benign for Primary ciliary dyskinesia. Last evaluated: 2022-07-14. Review status: criteria provided, single submitter. Criteria: Ambry Variant Classification Scheme 2023. Collection method: clinical testing. Allele origin: germline.